The following is an entry in ClinVar:

ClinVar aggregate classification (germline): Uncertain significance. Review status: criteria provided, multiple submitters, no conflicts (2 of 4 stars). 2 submissions from 2 submitters: Uncertain significance (2). Last evaluated 2022-08-16.

Allele frequency attached by ClinVar (database versions not stated): ExAC 0.00005; gnomAD exomes 0.00005 and 0.00007; gnomAD 0.00006; TOPMed 0.00006.
gnomAD v4.1: 79 of 1,606,286 alleles (0.0049%); highest among the groups gnomAD compares: Middle Eastern, 0.033%; no homozygotes.

Submissions (2):

Labcorp Genetics (formerly Invitae), Labcorp
Classification: Uncertain significance. Last evaluated: 2022-08-16. Review status: criteria provided, single submitter. Criteria: Invitae Variant Classification Sherloc (09022015). Collection method: clinical testing. Allele origin: germline.
Comment: This sequence change replaces isoleucine, which is neutral and non-polar, with threonine, which is neutral and polar, at codon 339 of the CCDC88A protein (p.Ile339Thr). This variant is present in population databases (rs776991429, gnomAD 0.02%). This variant has not been reported in the literature in individuals affected with CCDC88A-related conditions. ClinVar contains an entry for this variant (Variation ID: 1450969). Algorithms developed to predict the effect of missense changes on protein structure and function (SIFT, PolyPhen-2, Align-GVGD) all suggest that this variant is likely to be tolerated. In summary, the available evidence is currently insufficient to determine the role of this variant in disease. Therefore, it has been classified as a Variant of Uncertain Significance.

Breakthrough Genomics
Classification: Uncertain significance. Review status: criteria provided, single submitter. Criteria: ACMG Guidelines, 2015. Collection method: not provided. Allele origin: germline. Inheritance: Autosomal recessive inheritance. Affected: yes.

NM_001365480.1(CCDC88A):c.1016T>C (p.Ile339Thr)

Gene: CCDC88A (coiled-coil domain containing 88A; minus strand). Cytogenetic location: 2p16.1.
Variant type: single nucleotide variant.
Coding change: c.1016T>C on transcript NM_001365480.1 (MANE Select); coding-DNA position 1016, T replaced by C.
Protein change: p.Ile339Thr; replaces isoleucine 339 with threonine.
Molecular consequence: missense variant.
Genome position (GRCh38, 1-based): chr2:55,346,200, A>G on the plus strand (T>C on the coding strand, the complement: CCDC88A is on the minus strand). VCF-style: chr2-55346200-A-G. GRCh37 (hg19) VCF-style: chr2-55573336-A-G.
Other names: c.1016T>C, p.Ile339Thr (NM_001135597.2, NM_001254943.2, NM_018084.5); short protein forms I339T.
Identifiers: ClinVar variation 1450969 (VCV001450969.4), dbSNP rs776991429, ClinGen allele CA1666238.